The following is an entry in ClinVar:

NM_017617.5(NOTCH1):c.4587-12C>T

Gene: NOTCH1 (notch receptor 1; minus strand). Cytogenetic location: 9q34.3.
Variant type: single nucleotide variant.
Coding change: c.4587-12C>T on transcript NM_017617.5 (MANE Select); 12 bases into the intron before coding-DNA position 4587, C replaced by T.
Molecular consequence: intron variant.
Genome position (GRCh38, 1-based): chr9:136,505,116, G>A on the plus strand (C>T on the coding strand, the complement: NOTCH1 is on the minus strand). VCF-style: chr9-136505116-G-A. GRCh37 (hg19) VCF-style: chr9-139399568-G-A.
Identifiers: ClinVar variation 2139758 (VCV002139758.5), dbSNP rs747774591, ClinGen allele CA5340566.

ClinVar aggregate classification (germline): Likely benign. Review status: criteria provided, multiple submitters, no conflicts (2 of 4 stars). 2 submissions from 2 submitters: Likely benign (2). Last evaluated 2025-03-17.

Conditions:
Adams-Oliver syndrome 5 (AOS5). Identifiers: Orphanet 974, MedGen C4014970, MONDO:0014459, OMIM 616028.

Allele frequency attached by ClinVar (database versions not stated): TOPMed 0.00002; ExAC 0.00003; gnomAD 0.00003.
gnomAD v4.1: 45 of 1,605,614 alleles (0.0028%); highest among the groups gnomAD compares: South Asian, 0.019%; 1 homozygote.

Submissions (2):

Women's Health and Genetics/Laboratory Corporation of America, LabCorp
Classification: Likely benign. Last evaluated: 2025-03-17. Review status: criteria provided, single submitter. Criteria: LabCorp Variant Classification Summary - May 2015. Collection method: clinical testing. Allele origin: germline.
Comment: Variant summary: NOTCH1 c.4587-12C>T alters a non-conserved nucleotide located at a position not widely known to affect splicing. Consensus agreement among computation tools predict no significant impact on normal splicing. However, these predictions have yet to be confirmed by functional studies. The variant allele was found at a frequency of 3.5e-05 in 228126 control chromosomes. The available data on variant occurrences in the general population are insufficient to allow any conclusion about variant significance. To our knowledge, no occurrence of c.4587-12C>T in individuals affected with Adams-Oliver Syndrome 5 and no experimental evidence demonstrating its impact on protein function have been reported. ClinVar contains an entry for this variant (Variation ID: 2139758). Based on the evidence outlined above, the variant was classified as likely benign.

Labcorp Genetics (formerly Invitae), Labcorp
Classification: Likely benign for Adams-Oliver syndrome 5. Last evaluated: 2024-10-11. Review status: criteria provided, single submitter. Criteria: Invitae Variant Classification Sherloc (09022015). Collection method: clinical testing. Allele origin: germline.

Literature cited by the submitters: PubMed 24943832 (cited by Women's Health and Genetics/Laboratory Corporation of America, LabCorp); PubMed 16614245 (cited by Women's Health and Genetics/Laboratory Corporation of America, LabCorp); PubMed 21670202 (cited by Women's Health and Genetics/Laboratory Corporation of America, LabCorp); PubMed 22210878 (cited by Women's Health and Genetics/Laboratory Corporation of America, LabCorp); PubMed 19635999 (cited by Women's Health and Genetics/Laboratory Corporation of America, LabCorp); PubMed 26837699 (cited by Women's Health and Genetics/Laboratory Corporation of America, LabCorp); PubMed 23086750 (cited by Women's Health and Genetics/Laboratory Corporation of America, LabCorp); PubMed 19245433 (cited by Women's Health and Genetics/Laboratory Corporation of America, LabCorp); PubMed 22077063 (cited by Women's Health and Genetics/Laboratory Corporation of America, LabCorp); PubMed 15472075 (cited by Women's Health and Genetics/Laboratory Corporation of America, LabCorp); PubMed 23734977 (cited by Women's Health and Genetics/Laboratory Corporation of America, LabCorp); PubMed 22858860 (cited by Women's Health and Genetics/Laboratory Corporation of America, LabCorp).